The following is an entry in ClinVar:

ClinVar aggregate classification (germline): Uncertain significance (1 of 4 stars; one submission).

Conditions:
Neuropathy, hereditary sensory and autonomic, type 2A (HSAN2A). Also called: ACROOSTEOLYSIS, GIACCAI TYPE; ACROOSTEOLYSIS, NEUROGENIC; MORVAN DISEASE; NEUROPATHY, CONGENITAL SENSORY; NEUROPATHY, HEREDITARY SENSORY RADICULAR, AUTOSOMAL RECESSIVE; NEUROPATHY, HEREDITARY SENSORY, TYPE IIA. Identifiers: Orphanet 970, MedGen C2752089, MONDO:0024309, OMIM 201300.
Pseudohypoaldosteronism type 2C (PHA2C). Also called: Pseudohypoaldosteronism Type IIC. Identifiers: Orphanet 757, Orphanet 88940, MedGen C1840391, MONDO:0013778, OMIM 614492.

Submission:

Labcorp Genetics (formerly Invitae), Labcorp
Classification: Uncertain significance for Neuropathy, hereditary sensory and autonomic, type 2A; Pseudohypoaldosteronism type 2C. Last evaluated: 2023-01-20. Review status: criteria provided, single submitter. Criteria: Invitae Variant Classification Sherloc (09022015). Collection method: clinical testing. Allele origin: germline.
Comment: Advanced modeling of protein sequence and biophysical properties (such as structural, functional, and spatial information, amino acid conservation, physicochemical variation, residue mobility, and thermodynamic stability) performed at Invitae indicates that this missense variant is not expected to disrupt WNK1 protein function. In summary, the available evidence is currently insufficient to determine the role of this variant in disease. Therefore, it has been classified as a Variant of Uncertain Significance. This variant has not been reported in the literature in individuals affected with WNK1-related conditions. This sequence change replaces phenylalanine, which is neutral and non-polar, with tyrosine, which is neutral and polar, at codon 1750 of the WNK1 protein (p.Phe1750Tyr). This variant is not present in population databases (gnomAD no frequency).

NM_018979.4(WNK1):c.4493T>A (p.Phe1498Tyr)

Gene: WNK1 (WNK lysine deficient protein kinase 1; plus strand). Cytogenetic location: 12p13.33.
Variant type: single nucleotide variant.
Coding change: c.4493T>A on transcript NM_018979.4 (MANE Select); coding-DNA position 4493, T replaced by A.
Protein change: p.Phe1498Tyr; replaces phenylalanine 1498 with tyrosine.
Molecular consequence: missense variant.
Genome position (GRCh38, 1-based): chr12:885,297, T>A. VCF-style: chr12-885297-T-A. GRCh37 (hg19) VCF-style: chr12-994463-T-A.
Other names: c.3752T>A, p.Phe1251Tyr (NM_014823.3); c.5249T>A, p.Phe1750Tyr (NM_213655.5); c.5273T>A, p.Phe1758Tyr (NM_001184985.2); short protein forms F1498Y, F1750Y, F1251Y, F1758Y.
Identifiers: ClinVar variation 2943438 (VCV002943438.3), dbSNP rs2549046206, ClinGen allele CA383331332.